The following is an entry in ClinVar:

NM_021629.4(GNB4):c.863G>C (p.Gly288Ala)

Gene: GNB4 (G protein subunit beta 4; minus strand). Cytogenetic location: 3q26.33.
Variant type: single nucleotide variant.
Coding change: c.863G>C on transcript NM_021629.4 (MANE Select); coding-DNA position 863, G replaced by C.
Protein change: p.Gly288Ala; replaces glycine 288 with alanine.
Molecular consequence: missense variant.
Genome position (GRCh38, 1-based): chr3:179,405,243, C>G on the plus strand (G>C on the coding strand, the complement: GNB4 is on the minus strand). VCF-style: chr3-179405243-C-G. GRCh37 (hg19) VCF-style: chr3-179123031-C-G.
Other names: p.Gly288Ala; c.863G>C (NM_021629.3); short protein forms G288A.
Identifiers: ClinVar variation 1915234 (VCV001915234.8), dbSNP rs2473881961, ClinGen allele CA355468866.

ClinVar aggregate classification (germline): Uncertain significance. Review status: criteria provided, multiple submitters, no conflicts (2 of 4 stars). 4 submissions from 4 submitters: Uncertain significance (4). Last evaluated 2025-12-16.

Conditions:
Inborn genetic diseases. Identifiers: MedGen C0950123, MeSH D030342.
Charcot-Marie-Tooth disease dominant intermediate F. Identifiers: Orphanet 352670, MedGen C4749463, MONDO:0014074, OMIM 615185.

Allele frequency attached by ClinVar (database versions not stated): gnomAD exomes 0.00001.
gnomAD v4.1: 10 of 1,614,190 alleles (0.00062%); highest among the groups gnomAD compares: Non-Finnish European, 0.00076%; no homozygotes.

Submissions (4):

Mayo Clinic Laboratories, Mayo Clinic
Classification: Uncertain significance. Last evaluated: 2025-12-16. Review status: criteria provided, single submitter. Criteria: ACMG Guidelines, 2015. Collection method: clinical testing. Allele origin: germline. Observed: 1 variant allele.
Comment: PP3, PM2_supporting

Ambry Genetics
Classification: Uncertain significance for Inborn genetic diseases. Last evaluated: 2025-08-22. Review status: criteria provided, single submitter. Criteria: Ambry Variant Classification Scheme 2023. Collection method: clinical testing. Allele origin: germline.

GeneDx
Classification: Uncertain significance. Last evaluated: 2025-06-10. Review status: criteria provided, single submitter. Criteria: GeneDx Variant Classification Process June 2021. Collection method: clinical testing. Allele origin: germline. Affected: yes.
Comment: Not observed at significant frequency in large population cohorts (gnomAD); In silico analysis supports that this missense variant has a deleterious effect on protein structure/function; Has not been previously published as pathogenic or benign to our knowledge

Labcorp Genetics (formerly Invitae), Labcorp
Classification: Uncertain significance for Charcot-Marie-Tooth disease dominant intermediate F. Last evaluated: 2023-04-15. Review status: criteria provided, single submitter. Criteria: Invitae Variant Classification Sherloc (09022015). Collection method: clinical testing. Allele origin: germline.
Comment: In summary, the available evidence is currently insufficient to determine the role of this variant in disease. Therefore, it has been classified as a Variant of Uncertain Significance. Advanced modeling of protein sequence and biophysical properties (such as structural, functional, and spatial information, amino acid conservation, physicochemical variation, residue mobility, and thermodynamic stability) performed at Invitae indicates that this missense variant is not expected to disrupt GNB4 protein function. ClinVar contains an entry for this variant (Variation ID: 1915234). This variant has not been reported in the literature in individuals affected with GNB4-related conditions. This variant is not present in population databases (gnomAD no frequency). This sequence change replaces glycine, which is neutral and non-polar, with alanine, which is neutral and non-polar, at codon 288 of the GNB4 protein (p.Gly288Ala).